The following is an entry in ClinVar:

ClinVar aggregate classification (germline): Uncertain significance (1 of 4 stars; one submission).

Allele frequency attached by ClinVar (database versions not stated): gnomAD exomes below 0.00001; gnomAD 0.00001.
gnomAD v4.1: 1 of 1,614,122 alleles (0.000062%); highest among the groups gnomAD compares: Non-Finnish European, 0.000085%; no homozygotes.

Submission:

Labcorp Genetics (formerly Invitae), Labcorp
Classification: Uncertain significance. Last evaluated: 2024-03-21. Review status: criteria provided, single submitter. Criteria: Invitae Variant Classification Sherloc (09022015). Collection method: clinical testing. Allele origin: germline.
Comment: This sequence change replaces glutamic acid, which is acidic and polar, with alanine, which is neutral and non-polar, at codon 202 of the ARCN1 protein (p.Glu202Ala). This variant is present in population databases (no rsID available, gnomAD 0.0009%). This variant has not been reported in the literature in individuals affected with ARCN1-related conditions. ClinVar contains an entry for this variant (Variation ID: 1499364). An algorithm developed to predict the effect of missense changes on protein structure and function (PolyPhen-2) suggests that this variant is likely to be tolerated. In summary, the available evidence is currently insufficient to determine the role of this variant in disease. Therefore, it has been classified as a Variant of Uncertain Significance.

NM_001655.5(ARCN1):c.605A>C (p.Glu202Ala)

Gene: ARCN1 (archain 1 coat protein complex I subunit delta; plus strand). Cytogenetic location: 11q23.3.
Variant type: single nucleotide variant.
Coding change: c.605A>C on transcript NM_001655.5 (MANE Select); coding-DNA position 605, A replaced by C.
Protein change: p.Glu202Ala; replaces glutamic acid 202 with alanine.
Molecular consequence: missense variant.
Genome position (GRCh38, 1-based): chr11:118,583,966, A>C. VCF-style: chr11-118583966-A-C. GRCh37 (hg19) VCF-style: chr11-118454681-A-C.
Other names: c.341A>C, p.Glu114Ala (NM_001142281.2); short protein forms E202A, E114A.
Identifiers: ClinVar variation 1499364 (VCV001499364.6), dbSNP rs978099657, ClinGen allele CA229541422.